The following is an entry in ClinVar:

NM_006231.4(POLE):c.6031A>G (p.Met2011Val)

Gene: POLE (DNA polymerase epsilon, catalytic subunit; minus strand). Cytogenetic location: 12q24.33.
Variant type: single nucleotide variant.
Coding change: c.6031A>G on transcript NM_006231.4 (MANE Select); coding-DNA position 6031, A replaced by G.
Protein change: p.Met2011Val; replaces methionine 2011 with valine.
Molecular consequence: missense variant.
Genome position (GRCh38, 1-based): chr12:132,632,769, T>C on the plus strand (A>G on the coding strand, the complement: POLE is on the minus strand). VCF-style: chr12-132632769-T-C. GRCh37 (hg19) VCF-style: chr12-133209355-T-C.
Other names: c.6031A>G (NM_006231.2); short protein forms M2011V.
Identifiers: ClinVar variation 855321 (VCV000855321.8), dbSNP rs2041961135, ClinGen allele CA387370837.
Genomic context (GRCh38, chr12:132,632,769, plus strand): 5'-TGGCCCCCCTCCTCCTCACGGGGGTGCTCCCTGGAGCACTGCGCCTCAGCCCGTCCTTCA[T>C]GCAGTGGTACACGGCCACGATGTACGCTGTGGAGAGGCACACACACCACAGGCCCTGAGT-3'
Protein context (NP_006222.2, residues 2001-2021): SAYIVAVYHC[Met2011Val]KDGLRRSAPG

ClinVar aggregate classification (germline): Uncertain significance. Review status: criteria provided, multiple submitters, no conflicts (2 of 4 stars). 2 submissions from 2 submitters: Uncertain significance (2). Last evaluated 2025-12-03.

Conditions:
Hereditary cancer-predisposing syndrome. Also called: Neoplastic Syndromes, Hereditary; Hereditary Cancer Syndrome; Tumor predisposition; Hereditary neoplastic syndrome. Identifiers: Orphanet 140162, MedGen C0027672, MeSH D009386, MONDO:0015356.

Allele frequency attached by ClinVar (database versions not stated): gnomAD exomes below 0.00001.
gnomAD v4.1: 2 of 1,611,442 alleles (0.00012%); highest among the groups gnomAD compares: East Asian, 0.0022%; no homozygotes.

Submissions (2):

Labcorp Genetics (formerly Invitae), Labcorp
Classification: Uncertain significance. Last evaluated: 2025-12-03. Review status: criteria provided, single submitter. Criteria: Invitae Variant Classification Sherloc (09022015). Collection method: clinical testing. Allele origin: germline.
Comment: This sequence change replaces methionine, which is neutral and non-polar, with valine, which is neutral and non-polar, at codon 2011 of the POLE protein (p.Met2011Val). This variant is not present in population databases (gnomAD no frequency). This variant has not been reported in the literature in individuals affected with POLE-related conditions. ClinVar contains an entry for this variant (Variation ID: 855321). Invitae Evidence Modeling of protein sequence and biophysical properties (such as structural, functional, and spatial information, amino acid conservation, physicochemical variation, residue mobility, and thermodynamic stability) indicates that this missense variant is not expected to disrupt POLE protein function with a negative predictive value of 80%. In summary, the available evidence is currently insufficient to determine the role of this variant in disease. Therefore, it has been classified as a Variant of Uncertain Significance.

Ambry Genetics
Classification: Uncertain significance for Hereditary cancer-predisposing syndrome. Last evaluated: 2025-04-16. Review status: criteria provided, single submitter. Criteria: Ambry Variant Classification Scheme 2023. Collection method: clinical testing. Allele origin: germline.
Comment: The p.M2011V variant (also known as c.6031A>G), located in coding exon 44 of the POLE gene, results from an A to G substitution at nucleotide position 6031. The methionine at codon 2011 is replaced by valine, an amino acid with highly similar properties. This amino acid position is well conserved in available vertebrate species. In addition, this alteration is predicted to be tolerated by in silico analysis. Based on the available evidence, the clinical significance of this variant remains unclear.